The following is an entry in ClinVar:

ClinVar aggregate classification (germline): Uncertain significance (1 of 4 stars; one submission).

Conditions:
Dilated cardiomyopathy 1DD (CMD1DD). Identifiers: Orphanet 154, MedGen C2750995, MONDO:0013168, OMIM 613172.

Submission:

Labcorp Genetics (formerly Invitae), Labcorp
Classification: Uncertain significance for Dilated cardiomyopathy 1DD. Last evaluated: 2024-08-15. Review status: criteria provided, single submitter. Criteria: Invitae Variant Classification Sherloc (09022015). Collection method: clinical testing. Allele origin: germline.
Comment: This sequence change replaces aspartic acid, which is acidic and polar, with asparagine, which is neutral and polar, at codon 1036 of the RBM20 protein (p.Asp1036Asn). This variant is not present in population databases (gnomAD no frequency). This variant has not been reported in the literature in individuals affected with RBM20-related conditions. Invitae Evidence Modeling of protein sequence and biophysical properties (such as structural, functional, and spatial information, amino acid conservation, physicochemical variation, residue mobility, and thermodynamic stability) indicates that this missense variant is not expected to disrupt RBM20 protein function with a negative predictive value of 95%. In summary, the available evidence is currently insufficient to determine the role of this variant in disease. Therefore, it has been classified as a Variant of Uncertain Significance.

NM_001134363.3(RBM20):c.3106G>A (p.Asp1036Asn)

Gene: RBM20 (RNA binding motif protein 20; plus strand). Cytogenetic location: 10q25.2.
Variant type: single nucleotide variant.
Coding change: c.3106G>A on transcript NM_001134363.3 (MANE Select); coding-DNA position 3106, G replaced by A.
Protein change: p.Asp1036Asn; replaces aspartic acid 1036 with asparagine.
Molecular consequence: missense variant.
Genome position (GRCh38, 1-based): chr10:110,821,725, G>A. VCF-style: chr10-110821725-G-A. GRCh37 (hg19) VCF-style: chr10-112581483-G-A.
Other names: short protein forms D1036N.
Identifiers: ClinVar variation 3636978 (VCV003636978.2).